The following is an entry in ClinVar:

ClinVar aggregate classification (germline): Uncertain significance. Review status: criteria provided, multiple submitters, no conflicts (2 of 4 stars). 2 submissions from 2 submitters: Uncertain significance (2). Last evaluated 2025-11-06.

Conditions:
Myofibrillar myopathy 5. Also called: FILAMINOPATHY, AUTOSOMAL DOMINANT; Filaminopathy (type). Identifiers: Orphanet 171445, MedGen C1836050, MONDO:0012289, OMIM 609524.
Distal myopathy with posterior leg and anterior hand involvement. Also called: WILLIAMS DISTAL MYOPATHY. Identifiers: Orphanet 63273, MedGen C3279722, MONDO:0013550, OMIM 614065.
Hypertrophic cardiomyopathy 26. Also called: Cardiomyopathy, familial hypertrophic, 26. Identifiers: Orphanet 75249, MedGen C4310749, MONDO:0014883, OMIM 617047.
Dilated Cardiomyopathy, Dominant.
Cardiovascular phenotype. Identifiers: MedGen CN230736.

Submissions (2):

Ambry Genetics
Classification: Uncertain significance for Cardiovascular phenotype. Last evaluated: 2025-11-06. Review status: criteria provided, single submitter. Criteria: Ambry Variant Classification Scheme 2023. Collection method: clinical testing. Allele origin: germline.
Comment: The c.720_721delTGinsCA variant (also known as p.V241M), located in coding exon 4 of the FLNC gene, results from an in-frame deletion of TG and insertion of CA at nucleotide positions 720 to 721. This results in the substitution of the valine residue for a methionine residue at codon 241, an amino acid with highly similar properties. This amino acid position is well conserved in available vertebrate species. In addition, the in silico prediction for this alteration is inconclusive. Based on the available evidence, the clinical significance of this variant remains unclear.

Labcorp Genetics (formerly Invitae), Labcorp
Classification: Uncertain significance for Distal myopathy with posterior leg and anterior hand involvement; Myofibrillar myopathy 5; Hypertrophic cardiomyopathy 26. Last evaluated: 2022-09-01. Review status: criteria provided, single submitter. Criteria: Invitae Variant Classification Sherloc (09022015). Collection method: clinical testing. Allele origin: germline.
Comment: This sequence change replaces valine, which is neutral and non-polar, with methionine, which is neutral and non-polar, at codon 241 of the FLNC protein (p.Val241Met). Information on the frequency of this variant in the gnomAD database is not available, as this variant may be reported differently in the database. This variant has not been reported in the literature in individuals affected with FLNC-related conditions. ClinVar contains an entry for this variant (Variation ID: 1043461). Experimental studies and prediction algorithms are not available or were not evaluated, and the functional significance of this variant is currently unknown. In summary, the available evidence is currently insufficient to determine the role of this variant in disease. Therefore, it has been classified as a Variant of Uncertain Significance.

NM_001458.5(FLNC):c.720_721inv (p.Val241Met)

Gene: FLNC (filamin C; plus strand). Cytogenetic location: 7q32.1.
Variant type: Inversion.
Coding change: c.720_721inv on transcript NM_001458.5 (MANE Select).
Protein change: p.Val241Met; replaces valine 241 with methionine.
Molecular consequence: missense variant.
Genome position: GRCh38 VCF-style: chr7-128837418-TG-CA. GRCh37 (hg19) VCF-style: chr7-128477472-TG-CA.
Other names: c.720_721inv, p.Val241Met (NM_001127487.2); c.720_721delTGinsCA (NM_001458.4); short protein forms V241M.
Identifiers: ClinVar variation 1043461 (VCV001043461.9), ClinGen allele CA2499218716.
Genomic context (GRCh38, chr7:128,837,418, plus strand): 5'-AAAAGAGGGCGCCATGTGACATCACTCCTTTCCATCGCAGGTCATTGCCCCTGAGGAGAT[TG>CA]TGGACCCCAACGTGGATGAGCATTCTGTTATGACCTACCTGTCCCAGTTCCCCAAGGCCA-3'
Protein context (NP_001449.3, residues 231-251): VPQVIAPEEI[Val241Met]DPNVDEHSVM